The following is an entry in ClinVar:

ClinVar aggregate classification (germline): Uncertain significance. Review status: criteria provided, multiple submitters, no conflicts (2 of 4 stars). 2 submissions from 2 submitters: Uncertain significance (2). Last evaluated 2025-08-22.

gnomAD v4.1: 25 of 1,614,004 alleles (0.0015%); highest among the groups gnomAD compares: Non-Finnish European, 0.0019%; no homozygotes.

Submissions (2):

Labcorp Genetics (formerly Invitae), Labcorp
Classification: Uncertain significance. Last evaluated: 2025-08-22. Review status: criteria provided, single submitter. Criteria: Invitae Variant Classification Sherloc (09022015). Collection method: clinical testing. Allele origin: germline.
Comment: This sequence change replaces glutamic acid, which is acidic and polar, with aspartic acid, which is acidic and polar, at codon 456 of the HYOU1 protein (p.Glu456Asp). This variant is present in population databases (rs781945134, gnomAD 0.003%). This variant has not been reported in the literature in individuals affected with HYOU1-related conditions. ClinVar contains an entry for this variant (Variation ID: 1917342). An algorithm developed to predict the effect of missense changes on protein structure and function outputs the following: PolyPhen-2: "Benign". The aspartic acid amino acid residue is found in multiple mammalian species, which suggests that this missense change does not adversely affect protein function. In summary, the available evidence is currently insufficient to determine the role of this variant in disease. Therefore, it has been classified as a Variant of Uncertain Significance.

Ambry Genetics
Classification: Uncertain significance. Last evaluated: 2023-03-02. Review status: criteria provided, single submitter. Criteria: Ambry Variant Classification Scheme 2023. Collection method: clinical testing. Allele origin: germline.

NM_006389.5(HYOU1):c.1368G>T (p.Glu456Asp)

Gene: HYOU1 (hypoxia up-regulated 1; minus strand). Cytogenetic location: 11q23.3.
Variant type: single nucleotide variant.
Coding change: c.1368G>T on transcript NM_006389.5 (MANE Select); coding-DNA position 1368, G replaced by T.
Protein change: p.Glu456Asp; replaces glutamic acid 456 with aspartic acid.
Molecular consequence: missense variant.
Genome position (GRCh38, 1-based): chr11:119,051,596, C>A on the plus strand (G>T on the coding strand, the complement: HYOU1 is on the minus strand). VCF-style: chr11-119051596-C-A. GRCh37 (hg19) VCF-style: chr11-118922308-C-A.
Other names: c.1368G>T, p.Glu456Asp (NM_001130991.3, NM_001411041.1); c.1368G>T (NM_006389.3); short protein forms E456D.
Identifiers: ClinVar variation 1917342 (VCV001917342.7), dbSNP rs781945134, ClinGen allele CA229621993.